The following is an entry in ClinVar:

NM_015443.4(KANSL1):c.2509A>G (p.Ser837Gly)

Gene: KANSL1 (KAT8 regulatory NSL complex subunit 1). Cytogenetic location: 17q21.31.
Variant type: single nucleotide variant.
Coding change: c.2509A>G on transcript NM_015443.4 (MANE Select); coding-DNA position 2509, A replaced by G.
Protein change: p.Ser837Gly; replaces serine 837 with glycine.
Molecular consequence: missense variant.
Genome position (GRCh38, 1-based): chr17:46,038,570, T>C on the plus strand (A>G on the coding strand, the complement: KANSL1 is on the minus strand). VCF-style: chr17-46038570-T-C. GRCh37 (hg19) VCF-style: chr17-44115936-T-C.
Other names: p.S837G:AGC>GGC; c.2509A>G, p.Ser837Gly (NM_001193465.2, NM_001193466.2, NM_001379198.1); short protein forms S837G.
Identifiers: ClinVar variation 205746 (VCV000205746.9), dbSNP rs776349500, ClinGen allele CA315121.

ClinVar aggregate classification (germline): Conflicting classifications of pathogenicity. Review status: criteria provided, conflicting classifications (1 of 4 stars). 3 submissions from 3 submitters: Uncertain significance (2); Likely benign (1). Last evaluated 2025-08-08.

Conditions:
Koolen-de Vries syndrome (KDVS). Identifiers: Orphanet 96169, MedGen C1864871, MONDO:0012496, OMIM 610443.

Allele frequency attached by ClinVar (database versions not stated): gnomAD 0.00001; gnomAD exomes 0.00001 and below 0.00001; ExAC 0.00001; TOPMed 0.00002.
gnomAD v4.1: 3 of 1,614,002 alleles (0.00019%); highest among the groups gnomAD compares: African/African-American, 0.004%; no homozygotes.

Submissions (3):

Labcorp Genetics (formerly Invitae), Labcorp
Classification: Uncertain significance for Koolen-de Vries syndrome. Last evaluated: 2025-08-08. Review status: criteria provided, single submitter. Criteria: Invitae Variant Classification Sherloc (09022015). Collection method: clinical testing. Allele origin: germline.
Comment: This sequence change replaces serine, which is neutral and polar, with glycine, which is neutral and non-polar, at codon 837 of the KANSL1 protein (p.Ser837Gly). This variant is present in population databases (rs776349500, gnomAD 0.02%). This missense change has been observed in individual(s) with clinical features of KANSL1-related conditions (internal data). ClinVar contains an entry for this variant (Variation ID: 205746). Invitae Evidence Modeling of protein sequence and biophysical properties (such as structural, functional, and spatial information, amino acid conservation, physicochemical variation, residue mobility, and thermodynamic stability) indicates that this missense variant is not expected to disrupt KANSL1 protein function with a negative predictive value of 80%. In summary, the available evidence is currently insufficient to determine the role of this variant in disease. Therefore, it has been classified as a Variant of Uncertain Significance.

Fulgent Genetics
Classification: Uncertain significance for Koolen-de Vries syndrome. Last evaluated: 2023-12-31. Review status: criteria provided, single submitter. Criteria: ACMG Guidelines, 2015. Collection method: clinical testing. Allele origin: germline.

GeneDx
Classification: Likely benign. Last evaluated: 2020-01-03. Review status: criteria provided, single submitter. Criteria: GeneDx Variant Classification Process June 2021. Collection method: clinical testing. Allele origin: germline. Affected: yes.